The following is an entry in ClinVar:

NM_004655.4(AXIN2):c.2246A>G (p.Glu749Gly)

Gene: AXIN2 (axin 2; minus strand). Cytogenetic location: 17q24.1.
Variant type: single nucleotide variant.
Coding change: c.2246A>G on transcript NM_004655.4 (MANE Select); coding-DNA position 2246, A replaced by G.
Protein change: p.Glu749Gly; replaces glutamic acid 749 with glycine.
Molecular consequence: missense variant.
Genome position (GRCh38, 1-based): chr17:65,534,071, T>C on the plus strand (A>G on the coding strand, the complement: AXIN2 is on the minus strand). VCF-style: chr17-65534071-T-C. GRCh37 (hg19) VCF-style: chr17-63530189-T-C.
Other names: c.2051A>G, p.Glu684Gly (NM_001363813.1); short protein forms E684G, E749G.
Identifiers: ClinVar variation 2040705 (VCV002040705.4), dbSNP rs2509390330, ClinGen allele CA400675661.

ClinVar aggregate classification (germline): Uncertain significance (1 of 4 stars; one submission).

Conditions:
Oligodontia-cancer predisposition syndrome. Also called: TOOTH AGENESIS-COLORECTAL CANCER SYNDROME. Identifiers: Orphanet 300576, MedGen C1837750, MONDO:0012075, OMIM 608615. Disease mechanism: loss of function.

Submission:

Labcorp Genetics (formerly Invitae), Labcorp
Classification: Uncertain significance for Oligodontia-cancer predisposition syndrome. Last evaluated: 2021-12-12. Review status: criteria provided, single submitter. Criteria: Invitae Variant Classification Sherloc (09022015). Collection method: clinical testing. Allele origin: germline.
Comment: In summary, the available evidence is currently insufficient to determine the role of this variant in disease. Therefore, it has been classified as a Variant of Uncertain Significance. Algorithms developed to predict the effect of missense changes on protein structure and function are either unavailable or do not agree on the potential impact of this missense change (SIFT: "Deleterious"; PolyPhen-2: "Possibly Damaging"; Align-GVGD: "Class C0"). This variant has not been reported in the literature in individuals affected with AXIN2-related conditions. This variant is not present in population databases (gnomAD no frequency). This sequence change replaces glutamic acid, which is acidic and polar, with glycine, which is neutral and non-polar, at codon 749 of the AXIN2 protein (p.Glu749Gly).